The following is an entry in ClinVar:

ClinVar aggregate classification (germline): Uncertain significance (1 of 4 stars; one submission).

Conditions:
Inborn genetic diseases. Identifiers: MedGen C0950123, MeSH D030342.

Submission:

Ambry Genetics
Classification: Uncertain significance for Inborn genetic diseases. Last evaluated: 2023-12-15. Review status: criteria provided, single submitter. Criteria: Ambry Variant Classification Scheme 2023. Collection method: clinical testing. Allele origin: germline.
Comment: The p.L2436F variant (also known as c.7306C>T), located in coding exon 49 of the LRRK2 gene, results from a C to T substitution at nucleotide position 7306. The leucine at codon 2436 is replaced by phenylalanine, an amino acid with highly similar properties. This amino acid position is conserved. In addition, the in silico prediction for this alteration is inconclusive. Since supporting evidence is limited at this time, the clinical significance of this alteration remains unclear.

NM_198578.4(LRRK2):c.7306C>T (p.Leu2436Phe)

Gene: LRRK2 (leucine rich repeat kinase 2; plus strand). Cytogenetic location: 12q12.
Variant type: single nucleotide variant.
Coding change: c.7306C>T on transcript NM_198578.4 (MANE Select); coding-DNA position 7306, C replaced by T.
Protein change: p.Leu2436Phe; replaces leucine 2436 with phenylalanine.
Molecular consequence: missense variant.
Genome position (GRCh38, 1-based): chr12:40,364,966, C>T. VCF-style: chr12-40364966-C-T. GRCh37 (hg19) VCF-style: chr12-40758768-C-T.
Other names: short protein forms L2436F.
Identifiers: ClinVar variation 3229784 (VCV003229784.1), dbSNP rs2500038182, ClinGen allele CA384415105.